The following is an entry in ClinVar:

NM_020778.5(ALPK3):c.19C>A (p.Pro7Thr)

Gene: ALPK3 (alpha kinase 3; plus strand). Cytogenetic location: 15q25.3.
Variant type: single nucleotide variant.
Coding change: c.19C>A on transcript NM_020778.5 (MANE Select); coding-DNA position 19, C replaced by A.
Protein change: p.Pro7Thr; replaces proline 7 with threonine.
Molecular consequence: missense variant.
Genome position (GRCh38, 1-based): chr15:84,817,471, C>A. VCF-style: chr15-84817471-C-A. GRCh37 (hg19) VCF-style: chr15-85360702-C-A.
Other names: c.625C>A (NM_020778.4); short protein forms P7T.
Identifiers: ClinVar variation 1513301 (VCV001513301.10), dbSNP rs1963372992, ClinGen allele CA393369297.

ClinVar aggregate classification (germline): Uncertain significance. Review status: criteria provided, multiple submitters, no conflicts (2 of 4 stars). 2 submissions from 2 submitters: Uncertain significance (2). Last evaluated 2025-12-29.

Conditions:
Cardiovascular phenotype. Identifiers: MedGen CN230736.

gnomAD v4.1: 2 of 1,382,030 alleles (0.00014%); highest among the groups gnomAD compares: African/African-American, 0.003%; no homozygotes.

Submissions (2):

Labcorp Genetics (formerly Invitae), Labcorp
Classification: Uncertain significance. Last evaluated: 2025-12-29. Review status: criteria provided, single submitter. Criteria: Invitae Variant Classification Sherloc (09022015). Collection method: clinical testing. Allele origin: germline.
Comment: This sequence change replaces proline, which is neutral and non-polar, with threonine, which is neutral and polar, at codon 209 of the ALPK3 protein (p.Pro209Thr). The frequency data for this variant in the population databases is considered unreliable, as metrics indicate insufficient coverage at this position in the gnomAD database. This variant has not been reported in the literature in individuals affected with ALPK3-related conditions. ClinVar contains an entry for this variant (Variation ID: 1513301). An algorithm developed to predict the effect of missense changes on protein structure and function (PolyPhen-2) suggests that this variant is likely to be tolerated. In summary, the available evidence is currently insufficient to determine the role of this variant in disease. Therefore, it has been classified as a Variant of Uncertain Significance.

Ambry Genetics
Classification: Uncertain significance for Cardiovascular phenotype. Last evaluated: 2025-09-28. Review status: criteria provided, single submitter. Criteria: Ambry Variant Classification Scheme 2023. Collection method: clinical testing. Allele origin: germline.
Comment: The p.P209T variant (also known as c.625C>A), located in coding exon 1 of the ALPK3 gene, results from a C to A substitution at nucleotide position 625. The proline at codon 209 is replaced by threonine, an amino acid with highly similar properties. This amino acid position is conserved. In addition, this alteration is predicted to be tolerated by in silico analysis. Since supporting evidence is limited at this time, the clinical significance of this alteration remains unclear.